The following is an entry in ClinVar:

ClinVar aggregate classification (germline): Pathogenic (1 of 4 stars; one submission).

Submission:

Centre of Medical Genetics, University Hospital Muenster
Classification: Pathogenic. Last evaluated: 2021-12-15. Review status: criteria provided, single submitter. Criteria: ACMG Guidelines, 2015. Collection method: clinical testing. Allele origin: unknown. Affected: yes. Observed: 1 variant allele, 1 heterozygote.
Comment: ACMG categories: PVS1,PM2,PP3

NM_005430.4(WNT1):c.465C>A (p.Tyr155Ter)

Gene: WNT1 (Wnt family member 1; plus strand). Cytogenetic location: 12q13.12.
Variant type: single nucleotide variant.
Coding change: c.465C>A on transcript NM_005430.4 (MANE Select); coding-DNA position 465, C replaced by A.
Protein change: p.Tyr155Ter; replaces tyrosine 155 with a stop codon.
Molecular consequence: nonsense.
Genome position (GRCh38, 1-based): chr12:48,980,530, C>A. VCF-style: chr12-48980530-C-A. GRCh37 (hg19) VCF-style: chr12-49374313-C-A.
Other names: short protein forms Y155*.
Identifiers: ClinVar variation 1708283 (VCV001708283.3), dbSNP rs2498947383, ClinGen allele CA384631516.